The following is an entry in ClinVar:

NC_000017.11:g.(?_58692625)_(58710000_?)dup

Gene: RAD51C (RAD51 paralog C; plus strand). Cytogenetic location: 17q22.
Variant type: Duplication.
Identifiers: ClinVar variation 833409 (VCV000833409.2).

ClinVar aggregate classification (germline): Uncertain significance (1 of 4 stars; one submission).

Conditions:
Fanconi anemia complementation group O. Also called: RAD51C-Related Fanconi Anemia. Identifiers: Orphanet 84, MedGen C3150653, MONDO:0013248, OMIM 613390.

Submission:

Labcorp Genetics (formerly Invitae), Labcorp
Classification: Uncertain significance for Fanconi anemia complementation group O. Last evaluated: 2022-10-27. Review status: criteria provided, single submitter. Criteria: Invitae Variant Classification Sherloc (09022015). Collection method: clinical testing. Allele origin: germline.
Comment: This variant results in a copy number gain of the genomic region encompassing exon(s) 1-5 of the RAD51C gene. This region includes the initiator codon of the gene. This copy number gain extends beyond the assayed region for this gene and therefore may encompass additional genes. As the precise location of this event is unknown, it may be in tandem or it may be located elsewhere in the genome. This variant has not been reported in the literature in individuals affected with RAD51C-related conditions. Experimental studies and prediction algorithms are not available or were not evaluated, and the functional significance of this variant is currently unknown. In summary, the available evidence is currently insufficient to determine the role of this variant in disease. Therefore, it has been classified as a Variant of Uncertain Significance.